The following is an entry in ClinVar:

ClinVar aggregate classification (germline): Pathogenic. Review status: criteria provided, multiple submitters, no conflicts (2 of 4 stars). 7 submissions from 7 submitters: Pathogenic (4). 3 of the submissions do not count toward it. Last evaluated 2025-12-26.

Conditions:
DYNC2H1-related disorder. Also called: DYNC2H1-related disorders; DYNC2H1-related condition. Identifiers: MedGen CN378770.
Jeune thoracic dystrophy. Also called: Short-rib thoracic dysplasia; Jeune syndrome; Infantile thoracic dystrophy; Thoracic pelvic phalangeal dystrophy; Jeune's syndrome; Chondroectodermal dysplasia-like syndrome. Identifiers: Orphanet 474, MedGen C0265275, MONDO:0018770.
Asphyxiating thoracic dystrophy 3. Also called: SHORT-RIB THORACIC DYSPLASIA 3 WITH OR WITHOUT POLYDACTYLY; POLYDACTYLY WITH NEONATAL CHONDRODYSTROPHY, TYPE I; SHORT-RIB THORACIC DYSPLASIA 3/6 WITH POLYDACTYLY, DIGENIC; Saldino-Noonan Syndrome; Short rib polydactyly syndrome 2B. Identifiers: Orphanet 474, Orphanet 93269, Orphanet 93270, Orphanet 93271, MedGen C0036069, MONDO:0013127, OMIM 613091.

Submissions (7):

Myriad Genetics, Inc.
Classification: Pathogenic for Asphyxiating thoracic dystrophy 3. Last evaluated: 2025-12-26. Review status: criteria provided, single submitter. Criteria: Myriad Autosomal Dominant, Autosomal Recessive and X-Linked Classification Criteria (2023). Collection method: clinical testing. Allele origin: unknown.
Comment: NM_001377.2(DYNC2H1):c.12466_12469delGATA(D4156Kfs*45) is a frameshift variant classified as pathogenic in the context of DYNC2H1-related disorders. D4156Kfs*45 has been observed in a case with relevant disease (PMID: 29068549). Relevant functional assessments of this variant are not available in the literature. D4156Kfs*45 has been observed in referenced population frequency databases. In summary, NM_001377.2(DYNC2H1):c.12466_12469delGATA(D4156Kfs*45) is a frameshift variant in a gene where loss of function is a known mechanism of disease, is predicted to disrupt protein function, and has been observed more frequently in cases with the relevant disease than in healthy populations. Please note: this variant was assessed in the context of healthy population screening.

GeneDx
Classification: Pathogenic. Last evaluated: 2024-10-11. Review status: criteria provided, single submitter. Criteria: GeneDx Variant Classification Process June 2021. Collection method: clinical testing. Allele origin: germline. Affected: yes.
Comment: Frameshift variant predicted to result in protein truncation or nonsense mediated decay in a gene for which loss of function is a known mechanism of disease; Not observed at significant frequency in large population cohorts (gnomAD); This variant is associated with the following publications: (PMID: 29068549)

Fulgent Genetics
Classification: Pathogenic for Asphyxiating thoracic dystrophy 3. Last evaluated: 2024-03-26. Review status: criteria provided, single submitter. Criteria: ACMG Guidelines, 2015. Collection method: clinical testing. Allele origin: germline.

Labcorp Genetics (formerly Invitae), Labcorp
Classification: Pathogenic for Jeune thoracic dystrophy. Last evaluated: 2023-09-17. Review status: criteria provided, single submitter. Criteria: Invitae Variant Classification Sherloc (09022015). Collection method: clinical testing. Allele origin: germline.
Comment: This premature translational stop signal has been observed in individual(s) with short-rib polydactyly syndrome (PMID: 29068549). ClinVar contains an entry for this variant (Variation ID: 446597). For these reasons, this variant has been classified as Pathogenic. This variant is present in population databases (rs766816050, gnomAD 0.0009%). This sequence change creates a premature translational stop signal (p.Asp4163Lysfs*45) in the DYNC2H1 gene. It is expected to result in an absent or disrupted protein product. Loss-of-function variants in DYNC2H1 are known to be pathogenic (PMID: 23339108, 32753734, 33755199).

PreventionGenetics, part of Exact Sciences
Classification: Pathogenic for DYNC2H1-related condition. Last evaluated: 2024-09-20. Review status: no assertion criteria provided. Collection method: clinical testing. Allele origin: germline. Not counted in ClinVar's aggregate classification.
Comment: The DYNC2H1 c.12487_12490delGATA variant is predicted to result in a frameshift and premature protein termination (p.Asp4163Lysfs*45). This variant along with a second variant in this gene has been reported in an individual with short rib-polydactyly syndrome ( Table S2, Zhang et al 2018. PubMed ID: 29068549). This variant is reported in 0.00089% of alleles in individuals of European (Non-Finnish) descent in gnomAD. Frameshift variants in DYNC2H1 are expected to be pathogenic. This variant is interpreted as pathogenic.

Dan Cohn Lab, University Of California Los Angeles
Classification: Pathogenic for Asphyxiating thoracic dystrophy 3. Last evaluated: 2017-06-01. Review status: no assertion criteria provided. Collection method: research. Allele origin: unknown. Affected: yes. Not counted in ClinVar's aggregate classification.

University of Washington Center for Mendelian Genomics, University of Washington
Classification: Likely pathogenic for Asphyxiating thoracic dystrophy 3. Review status: no assertion criteria provided. Collection method: research. Allele origin: inherited. Affected: yes. Not counted in ClinVar's aggregate classification.

Literature cited by the submitters: PubMed 29068549 (cited by 4 submitters); PubMed 23339108 (cited by Labcorp Genetics (formerly Invitae), Labcorp); PubMed 32753734 (cited by Labcorp Genetics (formerly Invitae), Labcorp); PubMed 33755199 (cited by Labcorp Genetics (formerly Invitae), Labcorp).

NM_001377.3(DYNC2H1):c.12466_12469del (p.Asp4156fs)

Gene: DYNC2H1 (dynein cytoplasmic 2 heavy chain 1; plus strand). Cytogenetic location: 11q22.3.
Variant type: Deletion.
Coding change: c.12466_12469del on transcript NM_001377.3 (MANE Select); coding-DNA positions 12466 to 12469, 4 bases deleted (GATA; older notation c.12466_12469delGATA).
Protein change: p.Asp4156fs; shifts the reading frame from aspartic acid 4156.
Molecular consequence: frameshift variant.
Genome position (GRCh38, 1-based): chr11:103,455,195-103,455,198, GATA deleted; deleting any 4 consecutive bases within chr11:103,455,193-103,455,198 gives the same sequence; the c. name uses the placement nearest the transcript's 3' end. VCF-style (leftmost placement, unchanged base first): chr11-103455192-GTAGA-G. GRCh37 (hg19) VCF-style: chr11-103325920-GTAGA-G.
Other names: c.12487_12490del, p.Asp4163fs (NM_001080463.2); c.12487_12490delGATA (NM_001080463.1); short protein forms D4163fs, D4156fs.
Identifiers: ClinVar variation 446597 (VCV000446597.10), dbSNP rs766816050, ClinGen allele CA6255584.